The following is an entry in ClinVar:

NM_003055.3(SLC18A3):c.820G>A (p.Ala274Thr)

Genes: CHAT (choline O-acetyltransferase; plus strand), SLC18A3 (solute carrier family 18 member A3; plus strand). Cytogenetic location: 10q11.23.
Variant type: single nucleotide variant.
Coding change: c.820G>A on transcript NM_003055.3 (MANE Select); coding-DNA position 820, G replaced by A.
Protein change: p.Ala274Thr; replaces alanine 274 with threonine.
Molecular consequence: missense variant. On other transcripts: intron variant (1).
Genome position (GRCh38, 1-based): chr10:49,611,560, G>A. VCF-style: chr10-49611560-G-A. GRCh37 (hg19) VCF-style: chr10-50819606-G-A.
Other names: c.-69+2361G>A (NM_020984.4); short protein forms A274T.
Identifiers: ClinVar variation 1489139 (VCV001489139.8), dbSNP rs1838297655, ClinGen allele CA376720918.

ClinVar aggregate classification (germline): Uncertain significance (1 of 4 stars; one submission).

Allele frequency attached by ClinVar (database versions not stated): TOPMed below 0.00001.
gnomAD v4.1: 7 of 1,605,616 alleles (0.00044%); highest among the groups gnomAD compares: Middle Eastern, 0.017%; no homozygotes.

Submission:

Labcorp Genetics (formerly Invitae), Labcorp
Classification: Uncertain significance. Last evaluated: 2022-03-22. Review status: criteria provided, single submitter. Criteria: Invitae Variant Classification Sherloc (09022015). Collection method: clinical testing. Allele origin: germline.
Comment: In summary, the available evidence is currently insufficient to determine the role of this variant in disease. Therefore, it has been classified as a Variant of Uncertain Significance. This variant is not present in population databases (gnomAD no frequency). This variant has not been reported in the literature in individuals affected with SLC18A3-related conditions. Algorithms developed to predict the effect of missense changes on protein structure and function (SIFT, PolyPhen-2, Align-GVGD) all suggest that this variant is likely to be tolerated. This sequence change replaces alanine, which is neutral and non-polar, with threonine, which is neutral and polar, at codon 274 of the SLC18A3 protein (p.Ala274Thr).